The following is an entry in ClinVar:

NM_004655.4(AXIN2):c.503C>A (p.Ser168Tyr)

Gene: AXIN2 (axin 2; minus strand). Cytogenetic location: 17q24.1.
Variant type: single nucleotide variant.
Coding change: c.503C>A on transcript NM_004655.4 (MANE Select); coding-DNA position 503, C replaced by A.
Protein change: p.Ser168Tyr; replaces serine 168 with tyrosine.
Molecular consequence: missense variant.
Genome position (GRCh38, 1-based): chr17:65,558,118, G>T on the plus strand (C>A on the coding strand, the complement: AXIN2 is on the minus strand). VCF-style: chr17-65558118-G-T. GRCh37 (hg19) VCF-style: chr17-63554236-G-T.
Other names: c.503C>A, p.Ser168Tyr (NM_001363813.1); short protein forms S168Y.
Identifiers: ClinVar variation 1446130 (VCV001446130.8), dbSNP rs2144585190, ClinGen allele CA400681137.

ClinVar aggregate classification (germline): Uncertain significance (1 of 4 stars; one submission).

Conditions:
Oligodontia-cancer predisposition syndrome. Also called: TOOTH AGENESIS-COLORECTAL CANCER SYNDROME. Identifiers: Orphanet 300576, MedGen C1837750, MONDO:0012075, OMIM 608615. Disease mechanism: loss of function.

Submission:

Labcorp Genetics (formerly Invitae), Labcorp
Classification: Uncertain significance for Oligodontia-cancer predisposition syndrome. Last evaluated: 2021-04-02. Review status: criteria provided, single submitter. Criteria: Invitae Variant Classification Sherloc (09022015). Collection method: clinical testing. Allele origin: germline.
Comment: This sequence change replaces serine with tyrosine at codon 168 of the AXIN2 protein (p.Ser168Tyr). The serine residue is highly conserved and there is a large physicochemical difference between serine and tyrosine. This variant is not present in population databases (ExAC no frequency). This variant has not been reported in the literature in individuals with AXIN2-related conditions. In summary, the available evidence is currently insufficient to determine the role of this variant in disease. Therefore, it has been classified as a Variant of Uncertain Significance. Algorithms developed to predict the effect of missense changes on protein structure and function (SIFT, PolyPhen-2, Align-GVGD) all suggest that this variant is likely to be disruptive, but these predictions have not been confirmed by published functional studies and their clinical significance is uncertain.